The following is an entry in ClinVar:

ClinVar aggregate classification (germline): Uncertain significance (1 of 4 stars; one submission).

Allele frequency attached by ClinVar (database versions not stated): gnomAD 0.00067; ExAC 0.00009; 1000 Genomes Project 30x 0.00047; gnomAD exomes 0.00068.
gnomAD v4.1: 1,014 of 1,510,628 alleles (0.067%); highest among the groups gnomAD compares: Non-Finnish European, 0.081%; 8 homozygotes.

Submission:

Ambry Genetics
Classification: Uncertain significance. Last evaluated: 2026-07-20. Review status: criteria provided, single submitter. Criteria: Ambry Variant Classification Scheme 2023. Collection method: clinical testing. Allele origin: germline.
Comment: The c.3412G>C (p.A1138P) alteration is located in exon 3 (coding exon 2) of the MUC22 gene. This alteration results from a G to C substitution at nucleotide position 3412, causing the alanine (A) at amino acid position 1138 to be replaced by a proline (P). Based on data from gnomAD, the C allele has an overall frequency of 0.036% (57/157472) total alleles studied. The highest observed frequency was 0.063% (39/62024) of European (non-Finnish) alleles. Based on insufficient or conflicting evidence, the clinical significance of this alteration remains unclear.

NM_001395414.1(MUC22):c.3412G>C (p.Ala1138Pro)

Gene: MUC22 (mucin 22; plus strand). Cytogenetic location: 6p21.33.
Variant type: single nucleotide variant.
Coding change: c.3412G>C on transcript NM_001395414.1 (MANE Select); coding-DNA position 3412, G replaced by C.
Protein change: p.Ala1138Pro; replaces alanine 1138 with proline.
Molecular consequence: missense variant.
Genome position (GRCh38, 1-based): chr6:31,028,843, G>C. VCF-style: chr6-31028843-G-C. GRCh37 (hg19) VCF-style: chr6-30996620-G-C.
Other names: c.3412G>C, p.Ala1138Pro (NM_001198815.1); c.3421G>C, p.Ala1141Pro (NM_001318484.1, NM_001322469.1); short protein forms A1141P, A1138P.
Identifiers: ClinVar variation 2360484 (VCV002360484.4), dbSNP rs199909713, ClinGen allele CA3707881.
Genomic context (GRCh38, chr6:31,028,843, plus strand): 5'-GCCTCTACTGAAAGCTCTGAGACCACTACAGCCACTACCATAGGCTCTGAGACCACCACA[G>C]CCTCTACTGAAGGCTCTGAGACTACCACCACCTCTACTGAAGGCTCTGAGACCACCACAG-3'
Protein context (NP_001382343.1, residues 1128-1148): ATTIGSETTT[Ala1138Pro]STEGSETTTT